The following is an entry in ClinVar:

ClinVar aggregate classification (germline): Uncertain significance. Review status: criteria provided, multiple submitters, no conflicts (2 of 4 stars). 8 submissions from 8 submitters: Uncertain significance (8). Last evaluated 2026-02-12.

Conditions:
Hereditary nonpolyposis colorectal neoplasms. Identifiers: MedGen C0009405, MeSH D003123.
Hereditary cancer-predisposing syndrome. Also called: Tumor predisposition; Hereditary Cancer Syndrome; Hereditary neoplastic syndrome; Neoplastic Syndromes, Hereditary. Identifiers: Orphanet 140162, MedGen C0027672, MeSH D009386, MONDO:0015356.
Lynch syndrome. Identifiers: Orphanet 144, MedGen C4552100, MONDO:0005835. Disease mechanism: loss of function.

Allele frequency attached by ClinVar (database versions not stated): TOPMed 0.00001.
gnomAD v4.1: 8 of 1,510,634 alleles (0.00053%); highest among the groups gnomAD compares: Non-Finnish European, 0.00062%; no homozygotes.

Submissions (8):

Women's Health and Genetics/Laboratory Corporation of America, LabCorp
Classification: Uncertain significance. Last evaluated: 2026-02-12. Review status: criteria provided, single submitter. Criteria: LabCorp Variant Classification Summary - May 2015. Collection method: clinical testing. Allele origin: germline.
Comment: Variant summary: MSH6 c.187T>G (p.Ser63Ala) results in a conservative amino acid change in the encoded protein sequence. Algorithms developed to predict the effect of missense changes on protein structure and function all suggest that this variant is likely to be tolerated. The frequency data for this variant in gnomAD is considered unreliable, as metrics indicate poor data quality at this position. To our knowledge, no occurrence of c.187T>G in individuals affected with MSH6-related conditions and no experimental evidence demonstrating its impact on protein function have been reported. ClinVar contains an entry for this variant (Variation ID: 483775). Based on the evidence outlined above, the variant was classified as uncertain significance.

Ambry Genetics
Classification: Uncertain significance for Hereditary cancer-predisposing syndrome. Last evaluated: 2025-10-01. Review status: criteria provided, single submitter. Criteria: Ambry Variant Classification Scheme 2023. Collection method: clinical testing. Allele origin: germline.
Comment: The p.S63A variant (also known as c.187T>G), located in coding exon 1 of the MSH6 gene, results from a T to G substitution at nucleotide position 187. The serine at codon 63 is replaced by alanine, an amino acid with similar properties. This amino acid position is not well conserved in available vertebrate species. In addition, this alteration is predicted to be tolerated by in silico analysis. Since supporting evidence is limited at this time, the clinical significance of this alteration remains unclear.

Color Diagnostics, LLC DBA Color Health
Classification: Uncertain significance for Hereditary cancer-predisposing syndrome. Last evaluated: 2025-03-04. Review status: criteria provided, single submitter. Criteria: ACMG Guidelines, 2015. Collection method: clinical testing. Allele origin: germline.
Comment: This missense variant replaces serine with alanine at codon 63 of the MSH6 protein. Computational prediction suggests that this variant may not impact protein structure and function. To our knowledge, functional studies have not been reported for this variant. This variant has not been reported in individuals affected with MSH6-related disorders in the literature. This variant has not been identified in the general population by the Genome Aggregation Database (gnomAD). The available evidence is insufficient to determine the role of this variant in disease conclusively. Therefore, this variant is classified as a Variant of Uncertain Significance.

GeneDx
Classification: Uncertain significance. Last evaluated: 2023-11-15. Review status: criteria provided, single submitter. Criteria: GeneDx Variant Classification Process June 2021. Collection method: clinical testing. Allele origin: germline. Affected: yes.
Comment: Not observed at significant frequency in large population cohorts (gnomAD); In silico analysis supports that this missense variant does not alter protein structure/function; Has not been previously published as pathogenic or benign to our knowledge; This variant is associated with the following publications: (PMID: 31391288)

All of Us Research Program, National Institutes of Health
Classification: Uncertain significance for Lynch syndrome. Last evaluated: 2023-08-15. Review status: criteria provided, single submitter. Criteria: ACMG Guidelines, 2015. Collection method: clinical testing. Allele origin: germline. Inheritance: Autosomal dominant inheritance. Observed: 1 variant allele, 1 heterozygote.
Comment: This study involves interpretation of variants in research participants for the purpose of population health screening. Participant phenotype was not available at the time of variant classification. Additional details can be found in publication PMID: 35346344, PMCID: PMC8962531

Labcorp Genetics (formerly Invitae), Labcorp
Classification: Uncertain significance for Hereditary nonpolyposis colorectal neoplasms. Last evaluated: 2021-11-08. Review status: criteria provided, single submitter. Criteria: Invitae Variant Classification Sherloc (09022015). Collection method: clinical testing. Allele origin: germline.
Comment: This sequence change replaces serine, which is neutral and polar, with alanine, which is neutral and non-polar, at codon 63 of the MSH6 protein (p.Ser63Ala). This variant is not present in population databases (gnomAD no frequency). This variant has not been reported in the literature in individuals affected with MSH6-related conditions. ClinVar contains an entry for this variant (Variation ID: 483775). Advanced modeling of protein sequence and biophysical properties (such as structural, functional, and spatial information, amino acid conservation, physicochemical variation, residue mobility, and thermodynamic stability) performed at Invitae indicates that this missense variant is not expected to disrupt MSH6 protein function. In summary, the available evidence is currently insufficient to determine the role of this variant in disease. Therefore, it has been classified as a Variant of Uncertain Significance.

Sema4
Classification: Uncertain significance for Hereditary cancer-predisposing syndrome. Last evaluated: 2021-08-04. Review status: criteria provided, single submitter. Criteria: Sema4 Curation Guidelines. Collection method: curation. Allele origin: germline.
Comment: The MSH6 c.187T>G (p.S63A) variant has been reported in at least one individual with cancer (PMID: 31391288). It was not observed in the large and broad cohorts of the Genome Aggregation Database (PMID: 32461654). The variant has been reported in ClinVar (Variation ID 483775). Functional studies have not been performed, and in silico predictions of the variant's effect on protein function are inconclusive. The evidence is insufficient to meet ACMG/AMP criteria for classifying the variant as benign or pathogenic. Thus, the clinical significance of this variant is currently uncertain.

Quest Diagnostics Nichols Institute San Juan Capistrano
Classification: Uncertain significance. Last evaluated: 2018-07-11. Review status: criteria provided, single submitter. Criteria: Quest Diagnostics criteria. Collection method: clinical testing. Allele origin: germline.

Literature cited by the submitters: PubMed 31391288 (cited by Sema4).

NM_000179.3(MSH6):c.187T>G (p.Ser63Ala)

Gene: MSH6 (mutS homolog 6; plus strand). Cytogenetic location: 2p16.3.
Variant type: single nucleotide variant.
Coding change: c.187T>G on transcript NM_000179.3 (MANE Select); coding-DNA position 187, T replaced by G.
Protein change: p.Ser63Ala; replaces serine 63 with alanine.
Molecular consequence: missense variant. On other transcripts: 5 prime UTR variant (1).
Genome position (GRCh38, 1-based): chr2:47,783,420, T>G. VCF-style: chr2-47783420-T-G. GRCh37 (hg19) VCF-style: chr2-48010559-T-G.
Other names: c.187T>G, p.Ser63Ala (NM_001281492.2); c.-550T>G (NM_001281493.2); short protein forms S63A.
Identifiers: ClinVar variation 483775 (VCV000483775.23), dbSNP rs763702846, ClinGen allele CA346735021.